The following is an entry in ClinVar:

ClinVar aggregate classification (germline): Uncertain significance (1 of 4 stars; one submission).

Allele frequency attached by ClinVar (database versions not stated): gnomAD exomes below 0.00001.
gnomAD v4.1: 1 of 1,614,130 alleles (0.000062%); highest among the groups gnomAD compares: Non-Finnish European, 0.000085%; no homozygotes.

Submission:

Labcorp Genetics (formerly Invitae), Labcorp
Classification: Uncertain significance. Last evaluated: 2022-10-08. Review status: criteria provided, single submitter. Criteria: Invitae Variant Classification Sherloc (09022015). Collection method: clinical testing. Allele origin: germline.
Comment: This sequence change replaces proline, which is neutral and non-polar, with threonine, which is neutral and polar, at codon 604 of the LRP5 protein (p.Pro604Thr). In summary, the available evidence is currently insufficient to determine the role of this variant in disease. Therefore, it has been classified as a Variant of Uncertain Significance. Advanced modeling of protein sequence and biophysical properties (such as structural, functional, and spatial information, amino acid conservation, physicochemical variation, residue mobility, and thermodynamic stability) has been performed at Invitae for this missense variant, however the output from this modeling did not meet the statistical confidence thresholds required to predict the impact of this variant on LRP5 protein function. This variant has not been reported in the literature in individuals affected with LRP5-related conditions. This variant is not present in population databases (gnomAD no frequency).

NM_002335.4(LRP5):c.1810C>A (p.Pro604Thr)

Gene: LRP5 (LDL receptor related protein 5; plus strand). Cytogenetic location: 11q13.2.
Variant type: single nucleotide variant.
Coding change: c.1810C>A on transcript NM_002335.4 (MANE Select); coding-DNA position 1810, C replaced by A.
Protein change: p.Pro604Thr; replaces proline 604 with threonine.
Molecular consequence: missense variant.
Genome position (GRCh38, 1-based): chr11:68,406,532, C>A. VCF-style: chr11-68406532-C-A. GRCh37 (hg19) VCF-style: chr11-68174000-C-A.
Other names: c.67C>A, p.Pro23Thr (NM_001291902.2); short protein forms P23T, P604T.
Identifiers: ClinVar variation 1721270 (VCV001721270.5), dbSNP rs1481252252, ClinGen allele CA381615267.